The following is an entry in ClinVar:

ClinVar aggregate classification (germline): Uncertain significance (1 of 4 stars; one submission).

Conditions:
Hereditary spastic paraplegia 11. Also called: SPASTIC PARAPLEGIA, AUTOSOMAL RECESSIVE, COMPLICATED, WITH THIN CORPUS CALLOSUM; SPASTIC PARAPLEGIA, AUTOSOMAL RECESSIVE, WITH MENTAL IMPAIRMENT AND THIN CORPUS CALLOSUM; Nakamura Osame syndrome; Autosomal recessive hereditary spastic paraplegia, mental impairment, and thin corpus callosum; Spastic Paraplegia 11; Spastic paraplegia, mental retardation and thin corpus callosum. Identifiers: Orphanet 2822, MedGen C1858479, MONDO:0011445, OMIM 604360.

gnomAD v4.1: 35 of 1,613,072 alleles (0.0022%); highest among the groups gnomAD compares: South Asian, 0.018%; no homozygotes.

Submission:

Labcorp Genetics (formerly Invitae), Labcorp
Classification: Uncertain significance for Hereditary spastic paraplegia 11. Last evaluated: 2025-02-19. Review status: criteria provided, single submitter. Criteria: Invitae Variant Classification Sherloc (09022015). Collection method: clinical testing. Allele origin: germline.
Comment: This sequence change replaces glutamic acid, which is acidic and polar, with lysine, which is basic and polar, at codon 1299 of the SPG11 protein (p.Glu1299Lys). The frequency data for this variant in the population databases is considered unreliable, as metrics indicate poor data quality at this position in the gnomAD database. This variant has not been reported in the literature in individuals affected with SPG11-related conditions. An algorithm developed to predict the effect of missense changes on protein structure and function (PolyPhen-2) suggests that this variant is likely to be disruptive. In summary, the available evidence is currently insufficient to determine the role of this variant in disease. Therefore, it has been classified as a Variant of Uncertain Significance.

NM_025137.4(SPG11):c.3895G>A (p.Glu1299Lys)

Gene: SPG11 (SPG11 vesicle trafficking associated, spatacsin; minus strand). Cytogenetic location: 15q21.1.
Variant type: single nucleotide variant.
Coding change: c.3895G>A on transcript NM_025137.4 (MANE Select); coding-DNA position 3895, G replaced by A.
Protein change: p.Glu1299Lys; replaces glutamic acid 1299 with lysine.
Molecular consequence: missense variant.
Genome position (GRCh38, 1-based): chr15:44,598,371, C>T on the plus strand (G>A on the coding strand, the complement: SPG11 is on the minus strand). VCF-style: chr15-44598371-C-T. GRCh37 (hg19) VCF-style: chr15-44890569-C-T.
Other names: c.3895G>A, p.Glu1299Lys (NM_001160227.2, NM_001411132.1); short protein forms E1299K.
Identifiers: ClinVar variation 4698118 (VCV004698118.1).